The following is an entry in ClinVar:

NM_019888.3(MC3R):c.172C>T (p.Leu58=)

Gene: MC3R (melanocortin 3 receptor; plus strand). Cytogenetic location: 20q13.2.
Variant type: single nucleotide variant.
Coding change: c.172C>T on transcript NM_019888.3 (MANE Select); coding-DNA position 172, C replaced by T.
Protein change: p.Leu58=; no amino-acid change (leucine 58 retained).
Molecular consequence: synonymous variant.
Genome position (GRCh38, 1-based): chr20:56,249,015, C>T. VCF-style: chr20-56249015-C-T. GRCh37 (hg19) VCF-style: chr20-54824071-C-T.
Identifiers: ClinVar variation 2060833 (VCV002060833.7), dbSNP rs145062060, ClinGen allele CA9916945.
Genomic context (GRCh38, chr20:56,249,015, plus strand): 5'-GTCTTCATCAAGCCCGAGGTTTTCCTGTCTCTGGGCATCGTCAGTCTGCTGGAAAACATC[C>T]TGGTTATCCTGGCCGTGGTCAGGAACGGCAACCTGCACTCCCCGATGTACTTCTTTCTCT-3'
Protein context (NP_063941.3, residues 48-68): LGIVSLLENI[Leu58=]VILAVVRNGN

ClinVar aggregate classification (germline): Likely benign. Review status: criteria provided, multiple submitters, no conflicts (2 of 4 stars). 3 submissions from 3 submitters: Likely benign (2). 1 of the submissions does not count toward it. Last evaluated 2025-12-15.

Conditions:
MC3R-related disorder. Also called: MC3R-related condition.

Allele frequency attached by ClinVar (database versions not stated): 1000 Genomes Project 0.00060; 1000 Genomes Project 30x 0.00062; ESP Exome Variant Server 0.00077; ExAC 0.00085; gnomAD exomes 0.00140.
gnomAD v4.1: 2,138 of 1,614,180 alleles (0.13%); highest among the groups gnomAD compares: Non-Finnish European, 0.17%; 5 homozygotes.

Submissions (3):

Labcorp Genetics (formerly Invitae), Labcorp
Classification: Likely benign. Last evaluated: 2025-12-15. Review status: criteria provided, single submitter. Criteria: Invitae Variant Classification Sherloc (09022015). Collection method: clinical testing. Allele origin: germline.

Blueprint Genetics
Classification: Likely benign. Last evaluated: 2024-11-22. Review status: criteria provided, single submitter. Criteria: ACMG Guidelines, 2015. Collection method: clinical testing. Allele origin: germline.

PreventionGenetics, part of Exact Sciences
Classification: Likely benign for MC3R-related condition. Last evaluated: 2019-09-14. Review status: no assertion criteria provided. Collection method: clinical testing. Allele origin: germline. Not counted in ClinVar's aggregate classification.
Comment: This variant is classified as likely benign based on ACMG/AMP sequence variant interpretation guidelines (Richards et al. 2015 PMID: 25741868, with internal and published modifications).